The following is an entry in ClinVar:

ClinVar aggregate classification (germline): Benign/Likely benign. Review status: criteria provided, multiple submitters, no conflicts (2 of 4 stars). 8 submissions from 8 submitters: Benign (7); Likely benign (1). Last evaluated 2026-02-03.

Conditions:
Congenital dyserythropoietic anemia, type I. Also called: Dyserythropoietic anemia, congenital type 1. Identifiers: Orphanet 98869, MedGen C0271933, MONDO:0020337. Disease mechanism: loss of function.
Anemia, congenital dyserythropoietic, type 1a (CDAN1A). Also called: CDAN1-Related Congenital Dyserythropoietic Anemia; DYSERYTHROPOIETIC ANEMIA, CONGENITAL, TYPE Ia. Identifiers: MedGen C5574667, MONDO:0009135, OMIM 224120.

Allele frequency attached by ClinVar (database versions not stated): gnomAD exomes 0.19956 and 0.20119; ExAC 0.20896; TOPMed 0.23355; 1000 Genomes Project 0.23622; gnomAD 0.23995 and 0.24113; 1000 Genomes Project 30x 0.24453; ESP Exome Variant Server 0.25100.
gnomAD v4.1: 328,572 of 1,613,582 alleles (20%); highest among the groups gnomAD compares: African/African-American, 38%; 37,050 homozygotes.

Submissions (10):

Labcorp Genetics (formerly Invitae), Labcorp
Classification: Benign. Last evaluated: 2026-02-03. Review status: criteria provided, single submitter. Criteria: Invitae Variant Classification Sherloc (09022015). Collection method: clinical testing. Allele origin: germline.

ARUP Laboratories, Molecular Genetics and Genomics, ARUP Laboratories
Classification: Benign for Anemia, congenital dyserythropoietic, type 1a. Last evaluated: 2025-07-31. Review status: criteria provided, single submitter. Criteria: ARUP Molecular Germline Variant Investigation Process 2024. Collection method: clinical testing. Allele origin: germline.

Blueprint Genetics
Classification: Likely benign. Last evaluated: 2024-11-27. Review status: criteria provided, single submitter. Criteria: ACMG Guidelines, 2015. Collection method: clinical testing. Allele origin: germline.

Mayo Clinic Laboratories, Mayo Clinic
Classification: Benign. Last evaluated: 2022-09-06. Review status: criteria provided, single submitter. Criteria: ACMG Guidelines, 2015. Collection method: clinical testing. Allele origin: germline. Observed: 772 variant alleles.

GeneDx
Classification: Benign. Last evaluated: 2021-05-04. Review status: criteria provided, single submitter. Criteria: GeneDx Variant Classification Process June 2021. Collection method: clinical testing. Allele origin: germline. Affected: yes.

Illumina Laboratory Services, Illumina
Classification: Benign for Anemia, congenital dyserythropoietic, type 1a. Last evaluated: 2018-01-12. Review status: criteria provided, single submitter. Criteria: ICSL Variant Classification Criteria 13 December 2019. Collection method: clinical testing. Allele origin: germline.
Comment: This variant was observed in the ICSL laboratory as part of a predisposition screen in an ostensibly healthy population. It had not been previously curated by ICSL or reported in the Human Gene Mutation Database (HGMD: prior to June 1st, 2018), and was therefore a candidate for classification through an automated scoring system. Utilizing variant allele frequency, disease prevalence and penetrance estimates, and inheritance mode, an automated score was calculated to assess if this variant is too frequent to cause the disease. Based on the score and internal cut-off values, a variant classified as benign is not then subjected to further curation. The score for this variant resulted in a classification of benign for this disease.

Breakthrough Genomics
Classification: Benign. Review status: criteria provided, single submitter. Criteria: ACMG Guidelines, 2015. Collection method: not provided. Allele origin: germline. Inheritance: Autosomal recessive inheritance. Affected: yes.

PreventionGenetics, part of Exact Sciences
Classification: Benign. Review status: criteria provided, single submitter. Criteria: ACMG Guidelines, 2015. Collection method: clinical testing. Allele origin: germline.

Dr. Peter K. Rogan Lab, Western University
No classification provided (evidence only). Condition: Familial cancer of breast. Review status: no classification provided. Collection method: in vitro. Allele origin: not applicable. Functional consequence: retained intron. Not counted in ClinVar's aggregate classification.

Dr. Peter K. Rogan Lab, Western University
No classification provided (evidence only). Condition: Malignant lymphoma, large B-cell, diffuse. Review status: no classification provided. Collection method: in vitro. Allele origin: not applicable. Functional consequence: retained intron. Not counted in ClinVar's aggregate classification.

NM_138477.4(CDAN1):c.2408-3C>T

Gene: CDAN1 (codanin 1; minus strand). Cytogenetic location: 15q15.2.
Variant type: single nucleotide variant.
Coding change: c.2408-3C>T on transcript NM_138477.4 (MANE Select); 3 bases into the intron before coding-DNA position 2408, C replaced by T.
Molecular consequence: intron variant.
Genome position (GRCh38, 1-based): chr15:42,729,365, G>A on the plus strand (C>T on the coding strand, the complement: CDAN1 is on the minus strand). VCF-style: chr15-42729365-G-A. GRCh37 (hg19) VCF-style: chr15-43021563-G-A.
Other names: p.?; c.2408-3C>T (LRG_1164t1).
Identifiers: ClinVar variation 262371 (VCV000262371.31), dbSNP rs12905385, ClinGen allele CA7515657.